The following is an entry in ClinVar:

NM_014236.4(GNPAT):c.1084A>T (p.Met362Leu)

Gene: GNPAT (glyceronephosphate O-acyltransferase; plus strand). Cytogenetic location: 1q42.2.
Variant type: single nucleotide variant.
Coding change: c.1084A>T on transcript NM_014236.4 (MANE Select); coding-DNA position 1084, A replaced by T.
Protein change: p.Met362Leu; replaces methionine 362 with leucine.
Molecular consequence: missense variant.
Genome position (GRCh38, 1-based): chr1:231,267,708, A>T. VCF-style: chr1-231267708-A-T. GRCh37 (hg19) VCF-style: chr1-231403454-A-T.
Other names: c.901A>T, p.Met301Leu (NM_001316350.2); short protein forms M301L, M362L.
Identifiers: ClinVar variation 1331273 (VCV001331273.2), dbSNP rs773568452, ClinGen allele CA345235536.

ClinVar aggregate classification (germline): Uncertain significance (1 of 4 stars; one submission).

gnomAD v4.1: 2 of 1,604,046 alleles (0.00012%); highest among the groups gnomAD compares: Non-Finnish European, 0.000085%; no homozygotes.

Submission:

GeneDx
Classification: Uncertain significance. Last evaluated: 2021-06-30. Review status: criteria provided, single submitter. Criteria: GeneDx Variant Classification Process June 2021. Collection method: clinical testing. Allele origin: germline. Affected: yes.
Comment: Not observed at significant frequency in large population cohorts (Lek et al., 2016); In silico analysis supports that this missense variant does not alter protein structure/function; Has not been previously published as pathogenic or benign to our knowledge; This variant is associated with the following publications: (PMID: 27535533)